The following is an entry in ClinVar:

NM_014264.5(PLK4):c.478C>A (p.Gln160Lys)

Gene: PLK4 (polo like kinase 4; plus strand). Cytogenetic location: 4q28.1.
Variant type: single nucleotide variant.
Coding change: c.478C>A on transcript NM_014264.5 (MANE Select); coding-DNA position 478, C replaced by A.
Protein change: p.Gln160Lys; replaces glutamine 160 with lysine.
Molecular consequence: missense variant.
Genome position (GRCh38, 1-based): chr4:127,885,848, C>A. VCF-style: chr4-127885848-C-A. GRCh37 (hg19) VCF-style: chr4-128807003-C-A.
Other names: c.382C>A, p.Gln128Lys (NM_001190799.2); c.355C>A, p.Gln119Lys (NM_001190801.2); c.478C>A (NM_014264.4); short protein forms Q119K, Q128K, Q160K.
Identifiers: ClinVar variation 1349406 (VCV001349406.6), dbSNP rs866317939, ClinGen allele CA3076584.

ClinVar aggregate classification (germline): Uncertain significance. Review status: criteria provided, multiple submitters, no conflicts (2 of 4 stars). 2 submissions from 2 submitters: Uncertain significance (2). Last evaluated 2024-03-20.

Conditions:
Inborn genetic diseases. Identifiers: MedGen C0950123, MeSH D030342.

Allele frequency attached by ClinVar (database versions not stated): gnomAD exomes 0.00001; ExAC 0.00002; gnomAD 0.00005 and 0.00006; TOPMed 0.00008.
gnomAD v4.1: 13 of 1,613,962 alleles (0.00081%); highest among the groups gnomAD compares: African/African-American, 0.016%; no homozygotes.

Submissions (2):

Ambry Genetics
Classification: Uncertain significance for Inborn genetic diseases. Last evaluated: 2024-03-20. Review status: criteria provided, single submitter. Criteria: Ambry Variant Classification Scheme 2023. Collection method: clinical testing. Allele origin: germline.

Labcorp Genetics (formerly Invitae), Labcorp
Classification: Uncertain significance. Last evaluated: 2022-06-13. Review status: criteria provided, single submitter. Criteria: Invitae Variant Classification Sherloc (09022015). Collection method: clinical testing. Allele origin: germline.
Comment: This sequence change replaces glutamine, which is neutral and polar, with lysine, which is basic and polar, at codon 160 of the PLK4 protein (p.Gln160Lys). This variant is present in population databases (no rsID available, gnomAD 0.03%). This variant has not been reported in the literature in individuals affected with PLK4-related conditions. Algorithms developed to predict the effect of missense changes on protein structure and function (SIFT, PolyPhen-2, Align-GVGD) all suggest that this variant is likely to be disruptive. In summary, the available evidence is currently insufficient to determine the role of this variant in disease. Therefore, it has been classified as a Variant of Uncertain Significance.